The following is an entry in ClinVar:

NM_000059.4(BRCA2):c.6703A>T (p.Met2235Leu)

Gene: BRCA2 (BRCA2 DNA repair associated; plus strand). Cytogenetic location: 13q13.1.
Variant type: single nucleotide variant.
Coding change: c.6703A>T on transcript NM_000059.4 (MANE Select); coding-DNA position 6703, A replaced by T.
Protein change: p.Met2235Leu; replaces methionine 2235 with leucine.
Molecular consequence: missense variant.
Genome position (GRCh38, 1-based): chr13:32,341,058, A>T. VCF-style: chr13-32341058-A-T. GRCh37 (hg19) VCF-style: chr13-32915195-A-T.
Other names: c.6703A>T (NM_000059.3); short protein forms M2235L.
Identifiers: ClinVar variation 1056020 (VCV001056020.11), dbSNP rs2072563047, ClinGen allele CA387790648.

ClinVar aggregate classification (germline): Conflicting classifications of pathogenicity. Review status: criteria provided, conflicting classifications (1 of 4 stars). 3 submissions from 3 submitters: Uncertain significance (2); Likely benign (1). Last evaluated 2025-05-04.

Conditions:
Hereditary cancer-predisposing syndrome. Also called: Hereditary Cancer Syndrome; Tumor predisposition; Hereditary neoplastic syndrome; Neoplastic Syndromes, Hereditary. Identifiers: Orphanet 140162, MedGen C0027672, MeSH D009386, MONDO:0015356.
Hereditary breast ovarian cancer syndrome. Also called: Hereditary breast and/or ovarian cancer syndrome; Hereditary breast and ovarian cancer syndrome; Hereditary breast and ovarian cancer syndrome (HBOC); Breast and ovarian cancer; Hereditary breast and ovarian cancer; BRCA1- and BRCA2-Associated Hereditary Breast and Ovarian Cancer. Identifiers: Orphanet 145, MedGen C0677776, MeSH D061325, MONDO:0003582. Disease mechanism: loss of function.

Submissions (3):

Ambry Genetics
Classification: Uncertain significance for Hereditary cancer-predisposing syndrome. Last evaluated: 2025-05-04. Review status: criteria provided, single submitter. Criteria: Ambry Variant Classification Scheme 2023. Collection method: clinical testing. Allele origin: germline.
Comment: The p.M2235L variant (also known as c.6703A>T), located in coding exon 10 of the BRCA2 gene, results from an A to T substitution at nucleotide position 6703. The methionine at codon 2235 is replaced by leucine, an amino acid with highly similar properties. This amino acid position is well conserved in available vertebrate species. In addition, the in silico prediction for this alteration is inconclusive. Based on the available evidence, the clinical significance of this variant remains unclear.

University of Washington Department of Laboratory Medicine, University of Washington
Classification: Likely benign for Hereditary cancer-predisposing syndrome. Last evaluated: 2023-03-23. Review status: criteria provided, single submitter. Criteria: Dines et al. (Genet Med. 2020). Collection method: curation. Allele origin: germline.
Comment: Missense variant in a coldspot region where missense variants are very unlikely to be pathogenic (PMID:31911673).

BRCA2 exon 11 coldspot. Reclassification based on statistical prior probability.

Labcorp Genetics (formerly Invitae), Labcorp
Classification: Uncertain significance for Hereditary breast ovarian cancer syndrome. Last evaluated: 2020-05-20. Review status: criteria provided, single submitter. Criteria: Invitae Variant Classification Sherloc (09022015). Collection method: clinical testing. Allele origin: germline.
Comment: In summary, the available evidence is currently insufficient to determine the role of this variant in disease. Therefore, it has been classified as a Variant of Uncertain Significance. Algorithms developed to predict the effect of missense changes on protein structure and function are either unavailable or do not agree on the potential impact of this missense change (SIFT: "Tolerated"; PolyPhen-2: "Probably Damaging"; Align-GVGD: "Class C0"). This variant has not been reported in the literature in individuals with BRCA2-related conditions. This variant is not present in population databases (ExAC no frequency). This sequence change replaces methionine with leucine at codon 2235 of the BRCA2 protein (p.Met2235Leu). The methionine residue is moderately conserved and there is a small physicochemical difference between methionine and leucine.